The following is an entry in ClinVar:

ClinVar aggregate classification (germline): Uncertain significance (1 of 4 stars; one submission).

Submission:

Labcorp Genetics (formerly Invitae), Labcorp
Classification: Uncertain significance. Last evaluated: 2025-01-27. Review status: criteria provided, single submitter. Criteria: Invitae Variant Classification Sherloc (09022015). Collection method: clinical testing. Allele origin: germline.
Comment: This sequence change replaces arginine, which is basic and polar, with glycine, which is neutral and non-polar, at codon 106 of the PPP2CA protein (p.Arg106Gly). This variant is not present in population databases (gnomAD no frequency). This variant has not been reported in the literature in individuals affected with PPP2CA-related conditions. Invitae Evidence Modeling of protein sequence and biophysical properties (such as structural, functional, and spatial information, amino acid conservation, physicochemical variation, residue mobility, and thermodynamic stability) indicates that this missense variant is expected to disrupt PPP2CA protein function with a positive predictive value of 80%. In summary, the available evidence is currently insufficient to determine the role of this variant in disease. Therefore, it has been classified as a Variant of Uncertain Significance.

NM_002715.4(PPP2CA):c.316C>G (p.Arg106Gly)

Gene: PPP2CA (protein phosphatase 2 catalytic subunit alpha; minus strand). Cytogenetic location: 5q31.1.
Variant type: single nucleotide variant.
Coding change: c.316C>G on transcript NM_002715.4 (MANE Select); coding-DNA position 316, C replaced by G.
Protein change: p.Arg106Gly; replaces arginine 106 with glycine.
Molecular consequence: missense variant. On other transcripts: non-coding transcript variant (1).
Genome position (GRCh38, 1-based): chr5:134,202,018, G>C on the plus strand (C>G on the coding strand, the complement: PPP2CA is on the minus strand). VCF-style: chr5-134202018-G-C. GRCh37 (hg19) VCF-style: chr5-133537709-G-C.
Other names: c.121C>G, p.Arg41Gly (NM_001355019.2); short protein forms R106G, R41G.
Identifiers: ClinVar variation 3719937 (VCV003719937.2).